The following is an entry in ClinVar:

ClinVar aggregate classification (germline): Pathogenic. Review status: reviewed by expert panel (3 of 4 stars). 38 submissions from 37 submitters: Pathogenic (1). 37 of the submissions do not count toward it. Last evaluated 2016-09-08.

Conditions:
BRCA1-related disorder. Also called: BRCA1-related condition.
Pancreatic cancer, susceptibility to, 4. Identifiers: Orphanet 1333, MedGen C3280442, MONDO:0013685, OMIM 614320.
Familial cancer of breast. Also called: BREAST CANCER, FAMILIAL; Hereditary breast cancer; hereditary breast carcinoma. Identifiers: Orphanet 227535, MedGen C0346153, MONDO:0016419, OMIM 114480. Disease mechanism: loss of function.
Breast-ovarian cancer, familial, susceptibility to, 1 (BROVCA1). Also called: OVARIAN CANCER, SUSCEPTIBILITY TO; BRCA1 Hereditary Breast and Ovarian Cancer. Identifiers: Orphanet 145, MedGen C2676676, MONDO:0011450, OMIM 604370. Disease mechanism: loss of function.
Fanconi anemia, complementation group S (FANCS). Identifiers: MedGen C4554406, MONDO:0054748, OMIM 617883.
Breast and/or ovarian cancer. Identifiers: MedGen CN221562.
Hereditary cancer-predisposing syndrome. Also called: Neoplastic Syndromes, Hereditary; Tumor predisposition; Hereditary Cancer Syndrome; Hereditary neoplastic syndrome. Identifiers: Orphanet 140162, MedGen C0027672, MeSH D009386, MONDO:0015356.
Hereditary breast ovarian cancer syndrome. Also called: Hereditary breast and ovarian cancer; Breast and ovarian cancer; Hereditary breast and/or ovarian cancer syndrome; Hereditary breast and ovarian cancer syndrome (HBOC); Hereditary breast and ovarian cancer syndrome; BRCA1- and BRCA2-Associated Hereditary Breast and Ovarian Cancer. Identifiers: Orphanet 145, MedGen C0677776, MeSH D061325, MONDO:0003582. Disease mechanism: loss of function.

Allele frequency attached by ClinVar (database versions not stated): gnomAD exomes below 0.00001.

Submissions 1 to 12 of 38:

Evidence-based Network for the Interpretation of Germline Mutant Alleles (ENIGMA)
Classification: Pathogenic for Breast-ovarian cancer, familial, susceptibility to, 1. Last evaluated: 2016-09-08. Review status: reviewed by expert panel. Criteria: ENIGMA BRCA1/2 Classification Criteria (2015). Collection method: curation. Allele origin: germline.
Comment: Variant allele predicted to encode a truncated non-functional protein.

CeGaT Center for Human Genetics Tuebingen
Classification: Pathogenic. Last evaluated: 2026-04-01. Review status: criteria provided, single submitter. Criteria: CeGaT Center For Human Genetics Tuebingen Variant Classification Criteria Version 2. Collection method: clinical testing. Allele origin: germline. Affected: yes. Observed: 3 variant alleles. Not counted in ClinVar's aggregate classification.
Comment: BRCA1: PVS1, PM2, PS4:Moderate

Institute of Human Genetics, University of Leipzig Medical Center
Classification: Pathogenic for Breast-ovarian cancer, familial, susceptibility to, 1. Last evaluated: 2025-09-15. Review status: criteria provided, single submitter. Criteria: ACMG Guidelines, 2015. Collection method: clinical testing. Allele origin: maternal. Inheritance: Autosomal dominant inheritance. Affected: yes. Not counted in ClinVar's aggregate classification.
Comment: Criteria applied: PVS1,PM5_STR,PM2_SUP

Labcorp Genetics (formerly Invitae), Labcorp
Classification: Pathogenic for Hereditary breast ovarian cancer syndrome. Last evaluated: 2025-04-17. Review status: criteria provided, single submitter. Criteria: Invitae Variant Classification Sherloc (09022015). Collection method: clinical testing. Allele origin: germline. Not counted in ClinVar's aggregate classification.
Comment: This sequence change creates a premature translational stop signal (p.Ser282Tyrfs*15) in the BRCA1 gene. It is expected to result in an absent or disrupted protein product. Loss-of-function variants in BRCA1 are known to be pathogenic (PMID: 20104584). This variant is not present in population databases (gnomAD no frequency). This premature translational stop signal has been observed in individual(s) with breast and/or ovarian cancer (PMID: 9663595, 10196379, 17319787, 21203900, 21324156, 23110154). This variant is also known as 962del4. ClinVar contains an entry for this variant (Variation ID: 17683). For these reasons, this variant has been classified as Pathogenic.

Center for Genomic Medicine, Rigshospitalet, Copenhagen University Hospital
Classification: Pathogenic. Last evaluated: 2025-03-04. Review status: criteria provided, single submitter. Criteria: ACMG Guidelines, 2015. Collection method: clinical testing. Allele origin: germline. Not counted in ClinVar's aggregate classification.

Ambry Genetics
Classification: Pathogenic for Hereditary cancer-predisposing syndrome. Last evaluated: 2025-02-20. Review status: criteria provided, single submitter. Criteria: Ambry Variant Classification Scheme 2023. Collection method: clinical testing. Allele origin: germline. Not counted in ClinVar's aggregate classification.
Comment: The c.843_846delCTCA pathogenic mutation, located in coding exon 9 of the BRCA1 gene, results from a deletion of four nucleotides at positions 843 to 846, causing a translational frameshift with a predicted alternate stop codon (p.S282Yfs*15). This mutation has been reported in multiple individuals with hereditary breast and/or ovarian cancer (Janezic SA et al. Hum. Mol. Genet. 1999;8:889-97; Zhang S et al. Gynecol. Oncol. 2011 May;121:353-7; Wagner TM et al. Int. J. Cancer. 1998 July;77:354-60; Tihomirova L et al. Adv Med Sci. 2014 Mar;59:114-9; Pern F et al. PLoS ONE. 2012 Oct;7:e47993; Stegel V et al. BMC Med. Genet. 2011 Jan;12:9; Dobricic J et al. J. Hum. Genet. 2013 Aug;58:501-7; Meisel C et al. Arch. Gynecol. Obstet. 2017 May;295:1227-1238). Of note, this mutation is also designated as 962del4 in published literature. This variant is considered to be rare based on population cohorts in the Genome Aggregation Database (gnomAD). In addition to the clinical data presented in the literature, this alteration is expected to result in loss of function by premature protein truncation or nonsense-mediated mRNA decay. As such, this alteration is interpreted as a disease-causing mutation.

Centre for Clinical Genetics and Genomic Diagnostics, Zealand University Hospital
Classification: Pathogenic. Last evaluated: 2024-08-23. Review status: criteria provided, single submitter. Criteria: ACMG Guidelines, 2015. Collection method: clinical testing. Allele origin: germline. Affected: no. Not counted in ClinVar's aggregate classification.

Color Diagnostics, LLC DBA Color Health
Classification: Pathogenic for Hereditary cancer-predisposing syndrome. Last evaluated: 2024-05-31. Review status: criteria provided, single submitter. Criteria: ACMG Guidelines, 2015. Collection method: clinical testing. Allele origin: germline. Not counted in ClinVar's aggregate classification.
Comment: This variant deletes 4 nucleotides in exon 10 of the BRCA1 gene, creating a frameshift and premature translation stop signal. This variant is also known as 962del4 in the literature. This variant is expected to result in an absent or non-functional protein product. This variant has been reported in over 5 individuals affected with ovarian cancer and two dozen individuals affected with breast cancer (PMID: 9808526, 10196379, 21324516, 23110154, 24728189, 24797986, 26681312, 29785153, 30441849). This variant has not been identified in the general population by the Genome Aggregation Database (gnomAD). Loss of BRCA1 function is a known mechanism of disease. Based on the available evidence, this variant is classified as Pathogenic.

Department of Clinical Genetics, Copenhagen University Hospital, Rigshospitalet
Classification: Pathogenic for Breast-ovarian cancer, familial, susceptibility to, 1. Last evaluated: 2024-05-27. Review status: criteria provided, single submitter. Criteria: ACMG Guidelines, 2015. Collection method: clinical testing. Allele origin: germline. Affected: yes. Not counted in ClinVar's aggregate classification.
Comment: PVS1; PM2_supporting; PM5_PTC_Strong

Blueprint Genetics
Classification: Pathogenic for BRCA1-related disorders. Last evaluated: 2024-04-23. Review status: criteria provided, single submitter. Criteria: ACMG Guidelines, 2015. Collection method: clinical testing. Allele origin: germline. Affected: yes. Observed: 5 variant alleles. Not counted in ClinVar's aggregate classification.

Institute of Human Genetics, University of Leipzig Medical Center
Classification: Pathogenic for Familial cancer of breast. Last evaluated: 2024-03-13. Review status: criteria provided, single submitter. Criteria: ACMG Guidelines, 2015. Collection method: clinical testing. Allele origin: unknown. Affected: yes. Not counted in ClinVar's aggregate classification.
Comment: the same text as in the submission from Institute of Human Genetics, University of Leipzig Medical Center above.

Quest Diagnostics Nichols Institute San Juan Capistrano
Classification: Pathogenic. Last evaluated: 2024-01-25. Review status: criteria provided, single submitter. Criteria: Quest Diagnostics criteria. Collection method: clinical testing. Allele origin: unknown. Not counted in ClinVar's aggregate classification.
Comment: The BRCA1 c.843_846del (p.Ser282Tyrfs*15) variant alters the translational reading frame of the BRCA1 mRNA and causes the premature termination of BRCA1 protein synthesis. This variant has been reported in the published literature in individuals affected with breast and/or ovarian cancer (PMIDs: 29785153 (2018), 23110154 (2012), 21324516 (2011)). This variant has not been reported in large, multi-ethnic general populations (Genome Aggregation Database). Based on the available information, this variant is classified as pathogenic.

NM_007294.4(BRCA1):c.843_846del (p.Ser282fs)

Gene: BRCA1 (BRCA1 DNA repair associated; minus strand). Cytogenetic location: 17q21.31.
Variant type: Deletion.
Coding change: c.843_846del on transcript NM_007294.4 (MANE Select); coding-DNA positions 843 to 846, 4 bases deleted (CTCA; older notation c.843_846delCTCA).
Protein change: p.Ser282fs; shifts the reading frame from serine 282.
Molecular consequence: frameshift variant. On other transcripts: 5 prime UTR variant (2), intron variant (137).
Genome position (GRCh38, 1-based): chr17:43,094,685-43,094,688, TGAG deleted on the plus strand (CTCA on the coding strand, the reverse complement: BRCA1 is on the minus strand). VCF-style (leftmost placement, unchanged base first): chr17-43094684-ATGAG-A. GRCh37 (hg19) VCF-style: chr17-41246701-ATGAG-A.
Other names: 962del4; c.630_633del, p.Ser211fs (NM_001407571.1, NM_001407853.1, NM_001407894.1 and 9 more transcripts); c.843_846del, p.Ser282fs (NM_001407581.1, NM_001407582.1, NM_001407583.1 and 30 more transcripts); c.840_843del, p.Ser281fs (NM_001407587.1, NM_001407590.1, NM_001407591.1 and 22 more transcripts); c.720_723del, p.Ser241fs (NM_001407648.1, NM_001407668.1, NM_001407669.1 and 19 more transcripts); c.717_720del, p.Ser240fs (NM_001407649.1, NM_001407670.1, NM_001407671.1 and 11 more transcripts); c.765_768del, p.Ser256fs (NM_001407653.1, NM_001407654.1, NM_001407655.1 and 4 more transcripts); c.702_705del, p.Ser235fs (NM_001407692.1, NM_001407694.1, NM_001407730.1 and 29 more transcripts); and 41 more; short protein forms S282fs, S235fs, S114fs, S155fs, S171fs, S215fs, S234fs, S279fs.
Identifiers: ClinVar variation 17683 (VCV000017683.58), dbSNP rs80357919, ClinGen allele CA003935.